The following is an entry in ClinVar:

NM_182961.4(SYNE1):c.3506A>C (p.Glu1169Ala)

Gene: SYNE1 (spectrin repeat containing nuclear envelope protein 1; minus strand). Cytogenetic location: 6q25.2.
Variant type: single nucleotide variant.
Coding change: c.3506A>C on transcript NM_182961.4 (MANE Select); coding-DNA position 3506, A replaced by C.
Protein change: p.Glu1169Ala; replaces glutamic acid 1169 with alanine.
Molecular consequence: missense variant.
Genome position (GRCh38, 1-based): chr6:152,447,621, T>G on the plus strand (A>C on the coding strand, the complement: SYNE1 is on the minus strand). VCF-style: chr6-152447621-T-G. GRCh37 (hg19) VCF-style: chr6-152768756-T-G.
Other names: p.Glu1176Ala; c.3527A>C, p.Glu1176Ala (NM_033071.5); short protein forms E1169A, E1176A.
Identifiers: ClinVar variation 3379728 (VCV003379728.1).

ClinVar aggregate classification (germline): Uncertain significance (1 of 4 stars; one submission).

Submission:

Mayo Clinic Laboratories, Mayo Clinic
Classification: Uncertain significance. Last evaluated: 2023-09-29. Review status: criteria provided, single submitter. Criteria: ACMG Guidelines, 2015. Collection method: clinical testing. Allele origin: germline. Observed: 1 variant allele.
Comment: BP4, PM2_moderate